The following is an entry in ClinVar:

NM_004667.6(HERC2):c.8024A>G (p.Asn2675Ser)

Gene: HERC2 (HECT and RLD domain containing E3 ubiquitin protein ligase 2; minus strand). Cytogenetic location: 15q13.1.
Variant type: single nucleotide variant.
Coding change: c.8024A>G on transcript NM_004667.6 (MANE Select); coding-DNA position 8024, A replaced by G.
Protein change: p.Asn2675Ser; replaces asparagine 2675 with serine.
Molecular consequence: missense variant.
Genome position (GRCh38, 1-based): chr15:28,196,557, T>C on the plus strand (A>G on the coding strand, the complement: HERC2 is on the minus strand). VCF-style: chr15-28196557-T-C. GRCh37 (hg19) VCF-style: chr15-28441703-T-C.
Other names: short protein forms N2675S.
Identifiers: ClinVar variation 1709929 (VCV001709929.2), dbSNP rs771262446, ClinGen allele CA7441589.
Genomic context (GRCh38, chr15:28,196,557, plus strand): 5'-TCTGATAGCAACCCAGTCCAGTGAGACTGCTGGGGAAAGTCGACAATGATATCTTTTCCA[T>C]TGGCACTGAAAGCTAGGACAGAACAGAAATCACCTGATCCATCTTCCTCTTCACCAATAA-3'
Protein context (NP_004658.3, residues 2665-2685): SVGVVKAFSA[Asn2675Ser]GKDIIVDFPQ

ClinVar aggregate classification (germline): Uncertain significance (1 of 4 stars; one submission).

Conditions:
Developmental delay with autism spectrum disorder and gait instability (MRT38). Also called: Intellectual developmental disorder, autosomal recessive 38. Identifiers: Orphanet 329195, MedGen C3809753, MONDO:0014224, OMIM 615516.

Allele frequency attached by ClinVar (database versions not stated): ExAC 0.00001; gnomAD 0.00001; TOPMed 0.00001.
gnomAD v4.1: 11 of 1,609,112 alleles (0.00068%); highest among the groups gnomAD compares: African/African-American, 0.0067%; no homozygotes.

Submission:

MGZ Medical Genetics Center
Classification: Uncertain significance for Developmental delay with autism spectrum disorder and gait instability. Last evaluated: 2021-08-26. Review status: criteria provided, single submitter. Criteria: ACMG Guidelines, 2015. Collection method: clinical testing. Allele origin: germline. Affected: yes. Observed: 2 variant alleles.
Comment: ACMG criteria applied: PM2_SUP